The following is an entry in ClinVar:

ClinVar aggregate classification (germline): Uncertain significance (1 of 4 stars; one submission).

Conditions:
Carnitine palmitoyl transferase 1A deficiency. Also called: CPT deficiency, hepatic, type IA; CPT I DEFICIENCY; CPT DEFICIENCY, HEPATIC, TYPE I; Carnitine palmitoyltransferase 1A deficiency; Carnitine palmitoyltransferase type I deficiency. Identifiers: Orphanet 156, MedGen C1829703, MONDO:0009705, OMIM 255120.

Submission:

Labcorp Genetics (formerly Invitae), Labcorp
Classification: Uncertain significance for Carnitine palmitoyl transferase 1A deficiency. Last evaluated: 2021-12-07. Review status: criteria provided, single submitter. Criteria: Invitae Variant Classification Sherloc (09022015). Collection method: clinical testing. Allele origin: germline.
Comment: This sequence change replaces aspartic acid, which is acidic and polar, with glutamic acid, which is acidic and polar, at codon 746 of the CPT1A protein (p.Asp746Glu). This variant is not present in population databases (gnomAD no frequency). This variant has not been reported in the literature in individuals affected with CPT1A-related conditions. ClinVar contains an entry for this variant (Variation ID: 1051841). Algorithms developed to predict the effect of missense changes on protein structure and function are either unavailable or do not agree on the potential impact of this missense change (SIFT: "Tolerated"; PolyPhen-2: "Probably Damaging"; Align-GVGD: "Class C0"). In summary, the available evidence is currently insufficient to determine the role of this variant in disease. Therefore, it has been classified as a Variant of Uncertain Significance.

NM_001876.4(CPT1A):c.2238T>G (p.Asp746Glu)

Gene: CPT1A (carnitine palmitoyltransferase 1A; minus strand). Cytogenetic location: 11q13.3.
Variant type: single nucleotide variant.
Coding change: c.2238T>G on transcript NM_001876.4 (MANE Select); coding-DNA position 2238, T replaced by G.
Protein change: p.Asp746Glu; replaces aspartic acid 746 with glutamic acid.
Molecular consequence: missense variant. On other transcripts: intron variant (1).
Genome position (GRCh38, 1-based): chr11:68,757,728, A>C on the plus strand (T>G on the coding strand, the complement: CPT1A is on the minus strand). VCF-style: chr11-68757728-A-C. GRCh37 (hg19) VCF-style: chr11-68525196-A-C.
Other names: c.2235+1841T>G (NM_001031847.3); short protein forms D746E.
Identifiers: ClinVar variation 1051841 (VCV001051841.7), dbSNP rs2153994514, ClinGen allele CA381624938.